The following is an entry in ClinVar:

NM_001122681.2(SH3BP2):c.1447G>A (p.Gly483Arg)

Gene: SH3BP2 (SH3 domain binding protein 2; plus strand). Cytogenetic location: 4p16.3.
Variant type: single nucleotide variant.
Coding change: c.1447G>A on transcript NM_001122681.2 (MANE Select); coding-DNA position 1447, G replaced by A.
Protein change: p.Gly483Arg; replaces glycine 483 with arginine.
Molecular consequence: missense variant.
Genome position (GRCh38, 1-based): chr4:2,832,371, G>A. VCF-style: chr4-2832371-G-A. GRCh37 (hg19) VCF-style: chr4-2834098-G-A.
Other names: c.1531G>A, p.Gly511Arg (NM_001145855.2); c.1618G>A, p.Gly540Arg (NM_001145856.2); c.1447G>A, p.Gly483Arg (NM_003023.4); short protein forms G483R, G511R, G540R.
Identifiers: ClinVar variation 4688468 (VCV004688468.1).

ClinVar aggregate classification (germline): Uncertain significance (1 of 4 stars; one submission).

Submission:

Women's Health and Genetics/Laboratory Corporation of America, LabCorp
Classification: Uncertain significance. Last evaluated: 2025-12-09. Review status: criteria provided, single submitter. Criteria: LabCorp Variant Classification Summary - May 2015. Collection method: clinical testing. Allele origin: germline.
Comment: Variant summary: SH3BP2 c.1447G>A (p.Gly483Arg) results in a non-conservative amino acid change in the encoded protein sequence. Algorithms developed to predict the effect of missense changes on protein structure and function all suggest that this variant is likely to be disruptive. The variant was absent in 251412 control chromosomes. The available data on variant occurrences in the general population are insufficient to allow any conclusion about variant significance. To our knowledge, no occurrence of c.1447G>A in individuals affected with SH3BP2-related conditions and no experimental evidence demonstrating its impact on protein function have been reported. No submitters have cited clinical-significance assessments for this variant to ClinVar. Based on the evidence outlined above, the variant was classified as uncertain significance.